The following is an entry in ClinVar:

NM_138737.6(HEPH):c.-47T>C

Gene: HEPH (hephaestin; plus strand). Cytogenetic location: Xq12.
Variant type: single nucleotide variant.
Coding change: c.-47T>C on transcript NM_138737.6; 47 bases upstream of the start codon, T replaced by C.
Molecular consequence: 5 prime UTR variant.
Genome position (GRCh38, 1-based): chrX:66,162,843, T>C. VCF-style: chrX-66162843-T-C. GRCh37 (hg19) VCF-style: chrX-65382685-T-C.
Identifiers: ClinVar variation 3256843 (VCV003256843.2).

ClinVar aggregate classification (germline): Benign (1 of 4 stars; one submission).

Submission:

Unidad de Genómica Garrahan, Hospital de Pediatría Garrahan
Classification: Benign. Last evaluated: 2024-07-31. Review status: criteria provided, single submitter. Criteria: ACMG Guidelines, 2015. Collection method: clinical testing. Allele origin: germline. Affected: no. Observed: 84 variant alleles.
Comment: This variant is classified as Benign based on local population frequency. This variant was detected in 90% of patients studied in a panel designed for Epileptic and Developmental Encephalopathy, Progressive Myoclonus Epilepsy and Abnormal Movements and Neurodegeneration with brain iron accumulation. Number of patients: 84. Only high quality variants are reported.